The following is an entry in ClinVar:

ClinVar aggregate classification (germline): Likely benign (1 of 4 stars; one submission).

Submission:

CeGaT Center for Human Genetics Tuebingen
Classification: Likely benign. Last evaluated: 2026-04-01. Review status: criteria provided, single submitter. Criteria: CeGaT Center For Human Genetics Tuebingen Variant Classification Criteria Version 2. Collection method: clinical testing. Allele origin: germline. Affected: yes. Observed: 1 variant allele.
Comment: SLC4A3: BP3, BS2

NM_005070.4(SLC4A3):c.408GGAAGAGGA[4] (p.Glu145_Gly146insGluGluGlu)

Gene: SLC4A3 (solute carrier family 4 member 3; plus strand). Cytogenetic location: 2q35.
Variant type: Microsatellite.
Coding change: c.408GGAAGAGGA[4] on transcript NM_005070.4 (MANE Select); four copies in a row of the 9-base unit GGAAGAGGA starting at c.408; the reference has three copies in a row; one copy, 9 bases duplicated.
Protein change: p.Glu145_Gly146insGluGluGlu.
Molecular consequence: inframe insertion. On other transcripts: non-coding transcript variant (1).
Genome position (GRCh38, 1-based): chr2:219,629,352-219,629,360, GGAAGAGGA duplicated; duplicating any 9 consecutive bases within chr2:219,629,332-219,629,360 gives the same sequence; the position shown is the placement nearest the transcript's 3' end. VCF-style (leftmost placement, unchanged base first): chr2-219629331-T-TGAGGAAGAG. GRCh37 (hg19) VCF-style: chr2-220494053-T-TGAGGAAGAG.
Other names: c.408GGAAGAGGA[4], p.Glu145_Gly146insGluGluGlu (NM_001326559.2, NM_001438863.1, NM_201574.3).
Identifiers: ClinVar variation 4873357 (VCV004873357.2).